The following is an entry in ClinVar:

NM_000080.4(CHRNE):c.1062_1081dup (p.Glu361fs)

Genes: CHRNE (cholinergic receptor nicotinic epsilon subunit; minus strand), LOC130060041 (ATAC-STARR-seq lymphoblastoid silent region 8050; plus strand). Cytogenetic location: 17p13.2.
Variant type: Duplication.
Coding change: c.1062_1081dup on transcript NM_000080.4 (MANE Select); coding-DNA positions 1062 to 1081, 20 bases duplicated (GGGCTCCCCGCCGCCGCCCG).
Protein change: p.Glu361fs; shifts the reading frame from glutamic acid 361.
Molecular consequence: frameshift variant.
Genome position (GRCh38, 1-based): chr17:4,899,336-4,899,355, CGGGCGGCGGCGGGGAGCCC duplicated on the plus strand (GGGCTCCCCGCCGCCGCCCG on the coding strand, the reverse complement: CHRNE is on the minus strand). VCF-style (leftmost placement, unchanged base first): chr17-4899335-T-TCGGGCGGCGGCGGGGAGCCC. GRCh37 (hg19) VCF-style: chr17-4802630-T-TCGGGCGGCGGCGGGGAGCCC.
Other names: short protein forms E361fs.
Identifiers: ClinVar variation 1454203 (VCV001454203.8), dbSNP rs2151094729, ClinGen allele CA2573152983.

ClinVar aggregate classification (germline): Pathogenic. Review status: criteria provided, multiple submitters, no conflicts (2 of 4 stars). 3 submissions from 3 submitters: Pathogenic (3). Last evaluated 2025-09-08.

Conditions:
Congenital myasthenic syndrome 4A. Also called: CONGENITAL MYASTHENIC SYNDROME TYPE Ia1; MYASTHENIC SYNDROME, CONGENITAL, 4A, SLOW-CHANNEL, AUTOSOMAL RECESSIVE; Myasthenic syndrome, congenital, 4a, slow-channel. Identifiers: Orphanet 590, MedGen C4225413, MONDO:0011600, OMIM 605809.
Congenital myasthenic syndrome 4C (CMS4C). Also called: Myasthenic syndrome, congenital, associated with acetylcholine receptor deficiency. Identifiers: Orphanet 590, MedGen C1837091, MONDO:0012157, OMIM 608931.
Congenital myasthenic syndrome 4B. Also called: Myasthenic syndrome, congenital, 4b, fast-channel. Identifiers: Orphanet 590, MedGen C4225369, MONDO:0014586, OMIM 616324.

Submissions (3):

Labcorp Genetics (formerly Invitae), Labcorp
Classification: Pathogenic for Congenital myasthenic syndrome 4A. Last evaluated: 2025-09-08. Review status: criteria provided, single submitter. Criteria: Invitae Variant Classification Sherloc (09022015). Collection method: clinical testing. Allele origin: germline.
Comment: This sequence change creates a premature translational stop signal (p.Glu361Glyfs*31) in the CHRNE gene. It is expected to result in an absent or disrupted protein product. Loss-of-function variants in CHRNE are known to be pathogenic (PMID: 22678886). This variant is not present in population databases (gnomAD no frequency). This premature translational stop signal has been observed in individual(s) with clinical features of congenital myasthenic syndrome (PMID: 14532324). This variant is also known as c.1021ins20. ClinVar contains an entry for this variant (Variation ID: 1454203). For these reasons, this variant has been classified as Pathogenic.

Fulgent Genetics
Classification: Pathogenic for Congenital myasthenic syndrome 4A; Congenital myasthenic syndrome 4C; Congenital myasthenic syndrome 4B. Last evaluated: 2024-01-20. Review status: criteria provided, single submitter. Criteria: ACMG Guidelines, 2015. Collection method: clinical testing. Allele origin: germline.

Baylor Genetics
Classification: Pathogenic for Congenital myasthenic syndrome 4A. Last evaluated: 2023-04-30. Review status: criteria provided, single submitter. Criteria: ACMG Guidelines, 2015. Collection method: clinical testing. Allele origin: unknown.

Literature cited by the submitters: PubMed 22678886 (cited by Labcorp Genetics (formerly Invitae), Labcorp); PubMed 14532324 (cited by Labcorp Genetics (formerly Invitae), Labcorp).